The following is an entry in ClinVar:

ClinVar aggregate classification (germline): Uncertain significance (1 of 4 stars; one submission).

Conditions:
TBX3-related disorder. Also called: TBX3-related condition.

gnomAD v4.1: 1 of 1,614,190 alleles (0.000062%); highest among the groups gnomAD compares: African/African-American, 0.0013%; no homozygotes.

Submission:

PreventionGenetics, part of Exact Sciences
Classification: Uncertain significance for TBX3-related condition. Last evaluated: 2026-03-05. Review status: criteria provided, single submitter. Criteria: ACMG Guidelines, 2015. Collection method: clinical testing. Allele origin: germline.
Comment: The TBX3 c.298G>A variant is predicted to result in the amino acid substitution p.Glu100Lys. To our knowledge, this variant has not been reported in the literature or in a large population database (gnomAD), indicating this variant is rare. At this time, the clinical significance of this variant is uncertain due to the absence of conclusive functional and genetic evidence.

NM_005996.4(TBX3):c.298G>A (p.Glu100Lys)

Genes: TBX3 (T-box transcription factor 3; minus strand), TBX3-AS1 (TBX3 antisense RNA 1; plus strand). Cytogenetic location: 12q24.21.
Variant type: single nucleotide variant.
Coding change: c.298G>A on transcript NM_005996.4 (MANE Select); coding-DNA position 298, G replaced by A.
Protein change: p.Glu100Lys; replaces glutamic acid 100 with lysine.
Molecular consequence: missense variant.
Genome position (GRCh38, 1-based): chr12:114,682,903, C>T on the plus strand (G>A on the coding strand, the complement: TBX3 is on the minus strand). VCF-style: chr12-114682903-C-T. GRCh37 (hg19) VCF-style: chr12-115120708-C-T.
Other names: c.298G>A, p.Glu100Lys (NM_016569.4); short protein forms E100K.
Identifiers: ClinVar variation 4994426 (VCV004994426.1).